The following is an entry in ClinVar:

ClinVar aggregate classification (germline): Uncertain significance. Review status: criteria provided, multiple submitters, no conflicts (2 of 4 stars). 2 submissions from 2 submitters: Uncertain significance (2). Last evaluated 2022-12-24.

Conditions:
Nephronophthisis 15 (NPHP15). Identifiers: Orphanet 3156, MedGen C3541853, MONDO:0013917, OMIM 614845.

Allele frequency attached by ClinVar (database versions not stated): gnomAD exomes below 0.00001; gnomAD 0.00001.
gnomAD v4.1: 8 of 1,613,816 alleles (0.0005%); highest among the groups gnomAD compares: South Asian, 0.0022%; no homozygotes.

Submissions (2):

Labcorp Genetics (formerly Invitae), Labcorp
Classification: Uncertain significance for Nephronophthisis 15. Last evaluated: 2022-12-24. Review status: criteria provided, single submitter. Criteria: Invitae Variant Classification Sherloc (09022015). Collection method: clinical testing. Allele origin: germline.
Comment: This variant is present in population databases (no rsID available, gnomAD 0.007%). This sequence change falls in intron 14 of the CEP164 gene. It does not directly change the encoded amino acid sequence of the CEP164 protein. It affects a nucleotide within the consensus splice site. ClinVar contains an entry for this variant (Variation ID: 1487841). In summary, the available evidence is currently insufficient to determine the role of this variant in disease. Therefore, it has been classified as a Variant of Uncertain Significance. Variants that disrupt the consensus splice site are a relatively common cause of aberrant splicing (PMID: 17576681, 9536098). Algorithms developed to predict the effect of sequence changes on RNA splicing suggest that this variant is not likely to affect RNA splicing. This variant has not been reported in the literature in individuals affected with CEP164-related conditions.

Breakthrough Genomics
Classification: Uncertain significance. Review status: criteria provided, single submitter. Criteria: ACMG Guidelines, 2015. Collection method: not provided. Allele origin: germline. Inheritance: Autosomal recessive inheritance. Affected: yes.

Literature cited by the submitters: PubMed 17576681 (cited by Labcorp Genetics (formerly Invitae), Labcorp); PubMed 9536098 (cited by Labcorp Genetics (formerly Invitae), Labcorp).

NM_014956.5(CEP164):c.1725-3T>C

Gene: CEP164 (centrosomal protein 164; plus strand). Cytogenetic location: 11q23.3.
Variant type: single nucleotide variant.
Coding change: c.1725-3T>C on transcript NM_014956.5 (MANE Select); 3 bases into the intron before coding-DNA position 1725, T replaced by C.
Molecular consequence: intron variant.
Genome position (GRCh38, 1-based): chr11:117,387,200, T>C. VCF-style: chr11-117387200-T-C. GRCh37 (hg19) VCF-style: chr11-117257916-T-C.
Other names: c.1734-3T>C (NM_001271933.2).
Identifiers: ClinVar variation 1487841 (VCV001487841.5), dbSNP rs940650344, ClinGen allele CA229355391.